The following is an entry in ClinVar:

ClinVar aggregate classification (germline): Likely benign. Review status: criteria provided, multiple submitters, no conflicts (2 of 4 stars). 3 submissions from 3 submitters: Likely benign (3). Last evaluated 2026-05-08.

Conditions:
Pitt-Hopkins syndrome (PTHS). Also called: ENCEPHALOPATHY, SEVERE EPILEPTIC, WITH AUTONOMIC DYSFUNCTION; MENTAL RETARDATION, SYNDROMAL, WITH INTERMITTENT HYPERVENTILATION. Identifiers: Orphanet 2896, MedGen C1970431, MONDO:0012589, OMIM 610954.

Allele frequency attached by ClinVar (database versions not stated): gnomAD exomes 0.00001 and 0.00003; TOPMed 0.00003; ExAC 0.00002.
gnomAD v4.1: 12 of 1,613,854 alleles (0.00074%); highest among the groups gnomAD compares: Admixed American, 0.017%; no homozygotes.

Submissions (3):

Women's Health and Genetics/Laboratory Corporation of America, LabCorp
Classification: Likely benign. Last evaluated: 2026-05-08. Review status: criteria provided, single submitter. Criteria: LabCorp Variant Classification Summary - May 2015. Collection method: clinical testing. Allele origin: germline.

Labcorp Genetics (formerly Invitae), Labcorp
Classification: Likely benign for Pitt-Hopkins syndrome. Last evaluated: 2025-11-03. Review status: criteria provided, single submitter. Criteria: Invitae Variant Classification Sherloc (09022015). Collection method: clinical testing. Allele origin: germline.

GeneDx
Classification: Likely benign. Last evaluated: 2020-09-23. Review status: criteria provided, single submitter. Criteria: GeneDx Variant Classification Process June 2021. Collection method: clinical testing. Allele origin: germline. Affected: yes.
Comment: In-silico analysis is inconclusive as to whether the variant alters gene splicing. In the absence of RNA/functional studies, the actual effect of this sequence change is unknown.; Has not been previously published as pathogenic or benign to our knowledge

NM_001083962.2(TCF4):c.550-8C>A

Gene: TCF4 (transcription factor 4; minus strand). Cytogenetic location: 18q21.2.
Variant type: single nucleotide variant.
Coding change: c.550-8C>A on transcript NM_001083962.2 (MANE Select); 8 bases into the intron before coding-DNA position 550, C replaced by A.
Molecular consequence: intron variant. On other transcripts: missense variant (1).
Genome position (GRCh38, 1-based): chr18:55,279,664, G>T on the plus strand (C>A on the coding strand, the complement: TCF4 is on the minus strand). VCF-style: chr18-55279664-G-T. GRCh37 (hg19) VCF-style: chr18-52946895-G-T.
Other names: c.560C>A, p.Ser187Tyr (NM_001243228.2); c.856-8C>A (NM_001243226.3); c.475-8C>A (NM_001369584.1, NM_001369576.1, NM_001369585.1 and 3 more transcripts); c.478-8C>A (NM_001369577.1, NM_001369582.1, NM_001243227.2 and 9 more transcripts); c.550-8C>A (NM_001369571.1, NM_001369567.1, NM_001369572.1 and 4 more transcripts); c.544-8C>A (NM_001243230.2); c.547-8C>A (NM_001369569.1, NM_001369573.1, NM_001369570.1); c.424-8C>A (NM_001243231.2, NM_001348211.2); and 4 more; short protein forms S187Y.
Identifiers: ClinVar variation 704936 (VCV000704936.12), dbSNP rs748083315, ClinGen allele CA8970459.